The following is an entry in ClinVar:

ClinVar aggregate classification (germline): Pathogenic (1 of 4 stars; one submission).

Submission:

Labcorp Genetics (formerly Invitae), Labcorp
Classification: Pathogenic. Last evaluated: 2024-03-01. Review status: criteria provided, single submitter. Criteria: Invitae Variant Classification Sherloc (09022015). Collection method: clinical testing. Allele origin: germline.
Comment: This sequence change creates a premature translational stop signal (p.Lys823*) in the MSH3 gene. It is expected to result in an absent or disrupted protein product. Loss-of-function variants in MSH3 are known to be pathogenic (PMID: 27476653, 37402566). This variant is not present in population databases (gnomAD no frequency). This variant has not been reported in the literature in individuals affected with MSH3-related conditions. For these reasons, this variant has been classified as Pathogenic.

Literature cited by the submitters: PubMed 27476653; PubMed 37402566.

NM_002439.5(MSH3):c.2467A>T (p.Lys823Ter)

Gene: MSH3 (mutS homolog 3; plus strand). Cytogenetic location: 5q14.1.
Variant type: single nucleotide variant.
Coding change: c.2467A>T on transcript NM_002439.5 (MANE Select); coding-DNA position 2467, A replaced by T.
Protein change: p.Lys823Ter; replaces lysine 823 with a stop codon.
Molecular consequence: nonsense.
Genome position (GRCh38, 1-based): chr5:80,787,596, A>T. VCF-style: chr5-80787596-A-T. GRCh37 (hg19) VCF-style: chr5-80083415-A-T.
Other names: short protein forms K823*.
Identifiers: ClinVar variation 3643828 (VCV003643828.2).